The following is an entry in ClinVar:

ClinVar aggregate classification (germline): Conflicting classifications of pathogenicity. Review status: criteria provided, conflicting classifications (1 of 4 stars). 8 submissions from 8 submitters: Pathogenic (3); Uncertain significance (1). 4 of the submissions do not count toward it. Last evaluated 2024-03-01.

Conditions:
MN1 C-terminal truncation (MCTT) syndrome.
CEBALID syndrome (CEBALID). Also called: MN1 C-TERMINAL TRUNCATION SYNDROME; CRANIOFACIAL DEFECTS, DYSMORPHIC EARS, STRUCTURAL BRAIN ABNORMALITIES, EXPRESSIVE LANGUAGE DELAY, AND IMPAIRED INTELLECTUAL DEVELOPMENT. Identifiers: Orphanet 693549, MedGen C5394044, MONDO:0032908, OMIM 618774.
Familial meningioma. Also called: Meningioma, familial, susceptibility to. Identifiers: Orphanet 263662, MedGen C3551915, MONDO:0011789, OMIM 607174.

Submissions (8):

CeGaT Center for Human Genetics Tuebingen
Classification: Pathogenic. Last evaluated: 2024-03-01. Review status: criteria provided, single submitter. Criteria: CeGaT Center For Human Genetics Tuebingen Variant Classification Criteria Version 2. Collection method: clinical testing. Allele origin: germline. Affected: yes. Observed: 3 variant alleles.
Comment: MN1: PM6:Strong, PM2, PS4:Moderate, PVS1:Moderate

Baylor Genetics
Classification: Pathogenic for CEBALID syndrome. Last evaluated: 2023-06-02. Review status: criteria provided, single submitter. Criteria: ACMG Guidelines, 2015. Collection method: clinical testing. Allele origin: unknown.

SIB Swiss Institute of Bioinformatics
Classification: Pathogenic for CEBALID syndrome. Last evaluated: 2020-07-29. Review status: criteria provided, single submitter. Criteria: ACMG Guidelines, 2015. Collection method: curation. Allele origin: unknown.
Comment: This variant is interpreted as Pathogenic for CEBALID syndrome, autosomal dominant. The following ACMG Tag(s) were applied: Absent from controls (or at extremely low frequency if recessive) in Exome Sequencing Project, 1000 Genomes Project, or Exome Aggregation Consortium (PM2); Protein length changes as a result of in-frame deletions/insertions in a nonrepeat region or stop-loss variants (PM4); De novo (paternity and maternity confirmed) (PS2 upgraded to very strong); Prevalence in affected individuals statistically increased over controls (PS4 downgraded to supporting).

GeneDx
Classification: Uncertain significance. Last evaluated: 2019-06-04. Review status: criteria provided, single submitter. Criteria: GeneDx Variant Classification Process June 2021. Collection method: clinical testing. Allele origin: germline. Affected: yes.
Comment: Variants in candidate genes are classified as variants of uncertain significance in accordance with ACMG guidelines (Richards et al., 2015); Not observed in large population cohorts (Lek et al., 2016); Has not been previously published as pathogenic or benign to our knowledge; Nonsense variant predicted to result in protein truncation or nonsense mediated decay in a gene for which loss-of-function is not a known mechanism of disease; This variant is associated with the following publications: (PMID: 31834374)

Solve-RD Consortium
Classification: Likely pathogenic for Familial meningioma. Last evaluated: 2022-06-01. Review status: no assertion criteria provided. Collection method: provider interpretation. Allele origin: inherited. Affected: yes. Not counted in ClinVar's aggregate classification.
Comment: Variant confirmed as disease-causing by referring clinical team

Variant identified during reanalysis of unsolved cases by the Solve-RD project. The Solve-RD project has received funding from the European Union’s Horizon 2020 research and innovation programme under grant agreement No 779257.

OMIM
Classification: Pathogenic for CEBALID SYNDROME. Last evaluated: 2020-02-14. Review status: no assertion criteria provided. Collection method: literature only. Allele origin: germline. Not counted in ClinVar's aggregate classification.

GeneReviews
No classification provided. Condition: CEBALID syndrome. Review status: no classification provided. Collection method: literature only. Allele origin: germline. Not counted in ClinVar's aggregate classification.
Comment: Recurrent pathogenic variant in 3 out of 25 persons

University of Washington Center for Mendelian Genomics, University of Washington
Classification: Likely pathogenic for MN1 C-terminal truncation (MCTT) syndrome. Review status: no assertion criteria provided. Collection method: research. Allele origin: de novo. Affected: yes. Observed: 3 variant alleles. Not counted in ClinVar's aggregate classification.

Literature cited by the submitters: PubMed 31834374 (cited by 4 submitters); PubMed 39825153 (cited by Solve-RD Consortium); PubMed 22965664 (cited by OMIM); PubMed 22451504 (cited by OMIM); PubMed 32790267 (cited by GeneReviews).

NM_002430.3(MN1):c.3903G>A (p.Trp1301Ter)

Gene: MN1 (MN1 proto-oncogene, transcriptional regulator; minus strand). Cytogenetic location: 22q12.1.
Variant type: single nucleotide variant.
Coding change: c.3903G>A on transcript NM_002430.3 (MANE Select); coding-DNA position 3903, G replaced by A.
Protein change: p.Trp1301Ter; replaces tryptophan 1301 with a stop codon.
Molecular consequence: nonsense.
Genome position (GRCh38, 1-based): chr22:27,750,975, C>T on the plus strand (G>A on the coding strand, the complement: MN1 is on the minus strand). VCF-style: chr22-27750975-C-T. GRCh37 (hg19) VCF-style: chr22-28146963-C-T.
Other names: short protein forms W1301*.
Identifiers: ClinVar variation 809340 (VCV000809340.52), dbSNP rs1601319501, ClinGen allele CA411033131.